The following is an entry in ClinVar:

ClinVar aggregate classification (germline): Uncertain significance (1 of 4 stars; one submission).

Conditions:
Intellectual disability, autosomal recessive 42 (NEDDSBA). Also called: Neurodevelopmental disorder with dysmorphic features, spasticity, and brain abnormalities; GLYCOSYLPHOSPHATIDYLINOSITOL BIOSYNTHESIS DEFECT 9. Identifiers: Orphanet 88616, MedGen C4014343, MONDO:0014348, OMIM 615802.

Allele frequency attached by ClinVar (database versions not stated): gnomAD exomes below 0.00001.
gnomAD v4.1: 1 of 1,578,054 alleles (0.000063%); highest among the groups gnomAD compares: Non-Finnish European, 0.000086%; no homozygotes.

Submission:

Labcorp Genetics (formerly Invitae), Labcorp
Classification: Uncertain significance for Intellectual disability, autosomal recessive 42. Last evaluated: 2024-11-11. Review status: criteria provided, single submitter. Criteria: Invitae Variant Classification Sherloc (09022015). Collection method: clinical testing. Allele origin: germline.
Comment: This sequence change replaces isoleucine, which is neutral and non-polar, with threonine, which is neutral and polar, at codon 303 of the PGAP1 protein (p.Ile303Thr). This variant is not present in population databases (gnomAD no frequency). This variant has not been reported in the literature in individuals affected with PGAP1-related conditions. ClinVar contains an entry for this variant (Variation ID: 2885113). Invitae Evidence Modeling of protein sequence and biophysical properties (such as structural, functional, and spatial information, amino acid conservation, physicochemical variation, residue mobility, and thermodynamic stability) indicates that this missense variant is not expected to disrupt PGAP1 protein function with a negative predictive value of 80%. In summary, the available evidence is currently insufficient to determine the role of this variant in disease. Therefore, it has been classified as a Variant of Uncertain Significance.

NM_024989.4(PGAP1):c.908T>C (p.Ile303Thr)

Gene: PGAP1 (post-GPI attachment to proteins inositol deacylase 1; minus strand). Cytogenetic location: 2q33.1.
Variant type: single nucleotide variant.
Coding change: c.908T>C on transcript NM_024989.4 (MANE Select); coding-DNA position 908, T replaced by C.
Protein change: p.Ile303Thr; replaces isoleucine 303 with threonine.
Molecular consequence: missense variant. On other transcripts: 5 prime UTR variant (1).
Genome position (GRCh38, 1-based): chr2:196,897,150, A>G on the plus strand (T>C on the coding strand, the complement: PGAP1 is on the minus strand). VCF-style: chr2-196897150-A-G. GRCh37 (hg19) VCF-style: chr2-197761874-A-G.
Other names: c.386T>C, p.Ile129Thr (NM_001321099.2); c.-204T>C (NM_001321100.2); short protein forms I303T, I129T.
Identifiers: ClinVar variation 2885113 (VCV002885113.3), dbSNP rs2468676035, ClinGen allele CA350176807.